The following is an entry in ClinVar:

NM_000277.3(PAH):c.1066T>G (p.Tyr356Asp)

Gene: PAH (phenylalanine hydroxylase; minus strand). Cytogenetic location: 12q23.2.
Variant type: single nucleotide variant.
Coding change: c.1066T>G on transcript NM_000277.3 (MANE Select); coding-DNA position 1066, T replaced by G.
Protein change: p.Tyr356Asp; replaces tyrosine 356 with aspartic acid.
Molecular consequence: missense variant.
Genome position (GRCh38, 1-based): chr12:102,843,779, A>C on the plus strand (T>G on the coding strand, the complement: PAH is on the minus strand). VCF-style: chr12-102843779-A-C. GRCh37 (hg19) VCF-style: chr12-103237557-A-C.
Other names: c.1066T>G, p.Tyr356Asp (NM_001354304.2); short protein forms Y356D.
Identifiers: ClinVar variation 872846 (VCV000872846.1), dbSNP rs62507320, ClinGen allele CA16020931.

ClinVar aggregate classification (germline): Uncertain significance (3 of 4 stars; one submission).

Conditions:
Phenylketonuria (PKU). Also called: FOLLING DISEASE; Phenylketonuria (PKU); OLIGOPHRENIA PHENYLPYRUVICA; Phenylketonurias. Identifiers: Orphanet 716, MedGen C0031485, MONDO:0009861, OMIM 261600. Disease mechanism: loss of function.

Submission:

ClinGen PAH Variant Curation Expert Panel
Classification: Uncertain significance for Phenylketonuria. Last evaluated: 2019-11-05. Review status: reviewed by expert panel. Criteria: ClinGen PAH ACMG Specifications v1. Collection method: curation. Allele origin: germline. Inheritance: Autosomal recessive inheritance.
Comment: DHPR activity, biopterin and/or pteridine analysis was performed to rule out other causes of hyperphenylalaninemia. This variant is present in African American populations at a frequency of 0.00003 and Native Hawaiian populations at a frequency of 0.00022 (PAGE). In silico modeling predicts that this missense variant is damaging (SIFT), probably damaging (PolyPhen2), and disease causing (mutation taster). In summary, this variant meets criteria to be classified as Uncertain Significance for PAH. PAH-specific ACMG/AMP criteria applied: PM2, PP4, PP3.

Literature cited by the submitters: PubMed 26503515.